The following is an entry in ClinVar:

NM_004329.3(BMPR1A):c.143T>C (p.Val48Ala)

Gene: BMPR1A (bone morphogenetic protein receptor type 1A; plus strand). Cytogenetic location: 10q23.2.
Variant type: single nucleotide variant.
Coding change: c.143T>C on transcript NM_004329.3 (MANE Select); coding-DNA position 143, T replaced by C.
Protein change: p.Val48Ala; replaces valine 48 with alanine.
Molecular consequence: missense variant. On other transcripts: non-coding transcript variant (3).
Genome position (GRCh38, 1-based): chr10:86,890,137, T>C. VCF-style: chr10-86890137-T-C. GRCh37 (hg19) VCF-style: chr10-88649894-T-C.
Other names: c.143T>C, p.Val48Ala (NM_001406559.1, NM_001406560.1, NM_001406561.1 and 23 more transcripts); c.59T>C, p.Val20Ala (NM_001406584.1, NM_001406585.1, NM_001406586.1 and 2 more transcripts); short protein forms V48A, V20A.
Identifiers: ClinVar variation 5033018 (VCV005033018.1).

ClinVar aggregate classification (germline): Uncertain significance (1 of 4 stars; one submission).

Conditions:
Hereditary cancer-predisposing syndrome. Also called: Neoplastic Syndromes, Hereditary; Tumor predisposition; Hereditary neoplastic syndrome; Hereditary Cancer Syndrome. Identifiers: Orphanet 140162, MedGen C0027672, MeSH D009386, MONDO:0015356.

Submission:

Ambry Genetics
Classification: Uncertain significance for Hereditary cancer-predisposing syndrome. Last evaluated: 2026-07-07. Review status: criteria provided, single submitter. Criteria: Ambry Variant Classification Scheme 2023. Collection method: clinical testing. Allele origin: germline.
Comment: The p.V48A variant (also known as c.143T>C), located in coding exon 2 of the BMPR1A gene, results from a T to C substitution at nucleotide position 143. The valine at codon 48 is replaced by alanine, an amino acid with similar properties. This amino acid position is conserved. In addition, this alteration is predicted to be tolerated by in silico analysis. Based on the available evidence, the clinical significance of this variant remains unclear.